The following is an entry in ClinVar:

NM_000465.4(BARD1):c.743T>A (p.Val248Asp)

Gene: BARD1 (BRCA1 associated RING domain 1; minus strand). Cytogenetic location: 2q35.
Variant type: single nucleotide variant.
Coding change: c.743T>A on transcript NM_000465.4 (MANE Select); coding-DNA position 743, T replaced by A.
Protein change: p.Val248Asp; replaces valine 248 with aspartic acid.
Molecular consequence: missense variant. On other transcripts: non-coding transcript variant (2), intron variant (3).
Genome position (GRCh38, 1-based): chr2:214,781,131, A>T on the plus strand (T>A on the coding strand, the complement: BARD1 is on the minus strand). VCF-style: chr2-214781131-A-T. GRCh37 (hg19) VCF-style: chr2-215645855-A-T.
Other names: c.686T>A, p.Val229Asp (NM_001282543.2); c.158+28281T>A (NM_001282548.2); c.215+15930T>A (NM_001282545.2); c.364+11166T>A (NM_001282549.2); short protein forms V229D, V248D.
Identifiers: ClinVar variation 1709243 (VCV001709243.2), dbSNP rs2469508983, ClinGen allele CA350456103.

ClinVar aggregate classification (germline): Uncertain significance (1 of 4 stars; one submission).

Conditions:
Familial cancer of breast. Also called: hereditary breast carcinoma; Hereditary breast cancer; BREAST CANCER, FAMILIAL. Identifiers: Orphanet 227535, MedGen C0346153, MONDO:0016419, OMIM 114480. Disease mechanism: loss of function.

Submission:

MGZ Medical Genetics Center
Classification: Uncertain significance for Familial cancer of breast. Last evaluated: 2022-05-10. Review status: criteria provided, single submitter. Criteria: ACMG Guidelines, 2015. Collection method: clinical testing. Allele origin: germline. Affected: yes. Observed: 1 variant allele.
Comment: ACMG criteria applied: PM2_SUP, PP3